The following is an entry in ClinVar:

ClinVar aggregate classification (germline): Uncertain significance (1 of 4 stars; one submission).

Conditions:
Neurologic, endocrine, and pancreatic disease, multisystem, infantile-onset 2 (IMNEPD2). Also called: YARS1 Deficiency. Identifiers: MedGen C5543623, MONDO:0030375, OMIM 619418.

gnomAD v4.1: 17 of 1,613,334 alleles (0.0011%); highest among the groups gnomAD compares: South Asian, 0.019%; no homozygotes.

Submission:

Neuberg Centre For Genomic Medicine, NCGM
Classification: Uncertain significance for Neurologic, endocrine, and pancreatic disease, multisystem, infantile-onset 2. Last evaluated: 2023-07-22. Review status: criteria provided, single submitter. Criteria: ACMG Guidelines, 2015. Collection method: clinical testing. Allele origin: germline. Inheritance: Autosomal recessive inheritance. Affected: yes.
Comment: The observed splice region / intron variant c.591+6T>A in YARS1 gene has not been reported previously as a pathogenic variant nor as a benign variant, to our knowledge. This variant is reported with 0.003% allele frequency in gnomAD Exomes. This variant is predicted to be Benign by SpliceAI Prediction. For these reasons, this variant has been classified as Uncertain Significance.

NM_003680.4(YARS1):c.591+6T>A

Gene: YARS1 (tyrosyl-tRNA synthetase 1; minus strand). Cytogenetic location: 1p35.1.
Variant type: single nucleotide variant.
Coding change: c.591+6T>A on transcript NM_003680.4 (MANE Select); 6 bases into the intron after coding-DNA position 591, T replaced by A.
Molecular consequence: intron variant.
Genome position (GRCh38, 1-based): chr1:32,797,757, A>T on the plus strand (T>A on the coding strand, the complement: YARS1 is on the minus strand). VCF-style: chr1-32797757-A-T. GRCh37 (hg19) VCF-style: chr1-33263358-A-T.
Identifiers: ClinVar variation 3391353 (VCV003391353.1).